The following is an entry in ClinVar:

NM_001267550.2(TTN):c.49410A>G (p.Thr16470=)

Genes: TTN (titin; minus strand), TTN-AS1 (TTN antisense RNA 1; plus strand). Cytogenetic location: 2q31.2.
Variant type: single nucleotide variant.
Coding change: c.49410A>G on transcript NM_001267550.2 (MANE Select); coding-DNA position 49410, A replaced by G.
Protein change: p.Thr16470=; no amino-acid change (threonine 16470 retained).
Molecular consequence: synonymous variant.
Genome position (GRCh38, 1-based): chr2:178,613,873, T>C on the plus strand (A>G on the coding strand, the complement: TTN is on the minus strand). VCF-style: chr2-178613873-T-C. GRCh37 (hg19) VCF-style: chr2-179478600-T-C.
Other names: c.44487A>G, p.Thr14829= (NM_001256850.1); c.22215A>G, p.Thr7405= (NM_003319.4); c.41706A>G, p.Thr13902= (NM_133378.4); c.22590A>G, p.Thr7530= (NM_133432.3); c.22791A>G, p.Thr7597= (NM_133437.4).
Identifiers: ClinVar variation 1091214 (VCV001091214.36), dbSNP rs1415252331, ClinGen allele CA430273000.

ClinVar aggregate classification (germline): Likely benign. Review status: criteria provided, multiple submitters, no conflicts (2 of 4 stars). 2 submissions from 2 submitters: Likely benign (2). Last evaluated 2023-07-01.

Conditions:
Autosomal recessive limb-girdle muscular dystrophy type 2J (LGMDR10). Also called: Limb-girdle muscular dystrophy, type 2J; MUSCULAR DYSTROPHY, LIMB-GIRDLE, AUTOSOMAL RECESSIVE 10. Identifiers: Orphanet 140922, MedGen C1837342, MONDO:0012127, OMIM 608807.
Dilated cardiomyopathy 1G (CMD1G). Identifiers: Orphanet 154, MedGen C1858763, MONDO:0011400, OMIM 604145.

Allele frequency attached by ClinVar (database versions not stated): gnomAD exomes below 0.00001; TOPMed below 0.00001.
gnomAD v4.1: 2 of 1,611,608 alleles (0.00012%); highest among the groups gnomAD compares: Non-Finnish European, 0.00017%; no homozygotes.

Submissions (2):

CeGaT Center for Human Genetics Tuebingen
Classification: Likely benign. Last evaluated: 2023-07-01. Review status: criteria provided, single submitter. Criteria: CeGaT Center For Human Genetics Tuebingen Variant Classification Criteria Version 2. Collection method: clinical testing. Allele origin: germline. Affected: yes. Observed: 3 variant alleles.
Comment: TTN: BP4, BP7

Labcorp Genetics (formerly Invitae), Labcorp
Classification: Likely benign for Dilated cardiomyopathy 1G; Autosomal recessive limb-girdle muscular dystrophy type 2J. Last evaluated: 2021-10-06. Review status: criteria provided, single submitter. Criteria: Invitae Variant Classification Sherloc (09022015). Collection method: clinical testing. Allele origin: germline.